The following is an entry in ClinVar:

NM_001127208.3(TET2):c.5932G>A (p.Val1978Met)

Genes: TET2 (tet methylcytosine dioxygenase 2; plus strand), TET2-AS1 (TET2 antisense RNA 1; minus strand). Cytogenetic location: 4q24.
Variant type: single nucleotide variant.
Coding change: c.5932G>A on transcript NM_001127208.3 (MANE Select); coding-DNA position 5932, G replaced by A.
Protein change: p.Val1978Met; replaces valine 1978 with methionine.
Molecular consequence: missense variant.
Genome position (GRCh38, 1-based): chr4:105,276,442, G>A. VCF-style: chr4-105276442-G-A. GRCh37 (hg19) VCF-style: chr4-106197599-G-A.
Other names: short protein forms V1978M.
Identifiers: ClinVar variation 4694205 (VCV004694205.1).

ClinVar aggregate classification (germline): Uncertain significance (1 of 4 stars; one submission).

gnomAD v4.1: 61 of 1,551,840 alleles (0.0039%); highest among the groups gnomAD compares: South Asian, 0.058%; no homozygotes.

Submission:

Labcorp Genetics (formerly Invitae), Labcorp
Classification: Uncertain significance. Last evaluated: 2025-06-25. Review status: criteria provided, single submitter. Criteria: Invitae Variant Classification Sherloc (09022015). Collection method: clinical testing. Allele origin: germline.
Comment: This sequence change replaces valine, which is neutral and non-polar, with methionine, which is neutral and non-polar, at codon 1978 of the TET2 protein (p.Val1978Met). This variant is present in population databases (rs555385319, gnomAD 0.05%). This variant has not been reported in the literature in individuals affected with TET2-related conditions. An algorithm developed to predict the effect of missense changes on protein structure and function outputs the following: PolyPhen-2: "Benign". The methionine amino acid residue is found in multiple mammalian species, which suggests that this missense change does not adversely affect protein function. In summary, the available evidence is currently insufficient to determine the role of this variant in disease. Therefore, it has been classified as a Variant of Uncertain Significance.